The following is an entry in ClinVar:

ClinVar aggregate classification (germline): Uncertain significance. Review status: criteria provided, multiple submitters, no conflicts (2 of 4 stars). 2 submissions from 2 submitters: Uncertain significance (2). Last evaluated 2025-07-10.

Allele frequency attached by ClinVar (database versions not stated): gnomAD exomes below 0.00001; TOPMed below 0.00001; gnomAD 0.00001.
gnomAD v4.1: 5 of 1,613,870 alleles (0.00031%); highest among the groups gnomAD compares: Non-Finnish European, 0.00042%; no homozygotes.

Submissions (2):

GeneDx
Classification: Uncertain significance. Last evaluated: 2025-07-10. Review status: criteria provided, single submitter. Criteria: GeneDx Variant Classification Process June 2021. Collection method: clinical testing. Allele origin: germline. Affected: yes.
Comment: Not observed at significant frequency in large population cohorts (gnomAD); In silico analysis supports that this missense variant has a deleterious effect on protein structure/function; Has not been previously published as pathogenic or benign to our knowledge

Labcorp Genetics (formerly Invitae), Labcorp
Classification: Uncertain significance. Last evaluated: 2022-06-14. Review status: criteria provided, single submitter. Criteria: Invitae Variant Classification Sherloc (09022015). Collection method: clinical testing. Allele origin: germline.
Comment: In summary, the available evidence is currently insufficient to determine the role of this variant in disease. Therefore, it has been classified as a Variant of Uncertain Significance. Algorithms developed to predict the effect of sequence changes on RNA splicing suggest that this variant may create or strengthen a splice site. Algorithms developed to predict the effect of missense changes on protein structure and function are either unavailable or do not agree on the potential impact of this missense change (SIFT: "Deleterious"; PolyPhen-2: "Probably Damaging"; Align-GVGD: "Class C0"). This variant has not been reported in the literature in individuals affected with MYO5B-related conditions. This variant is not present in population databases (gnomAD no frequency). This sequence change replaces glycine, which is neutral and non-polar, with cysteine, which is neutral and slightly polar, at codon 298 of the MYO5B protein (p.Gly298Cys).

NM_001080467.3(MYO5B):c.892G>T (p.Gly298Cys)

Gene: MYO5B (myosin VB; minus strand). Cytogenetic location: 18q21.1.
Variant type: single nucleotide variant.
Coding change: c.892G>T on transcript NM_001080467.3 (MANE Select); coding-DNA position 892, G replaced by T.
Protein change: p.Gly298Cys; replaces glycine 298 with cysteine.
Molecular consequence: missense variant.
Genome position (GRCh38, 1-based): chr18:49,984,772, C>A on the plus strand (G>T on the coding strand, the complement: MYO5B is on the minus strand). VCF-style: chr18-49984772-C-A. GRCh37 (hg19) VCF-style: chr18-47511142-C-A.
Other names: c.892G>T (NM_001080467.2); short protein forms G298C.
Identifiers: ClinVar variation 1417817 (VCV001417817.9), dbSNP rs868716202, ClinGen allele CA402436549.
Genomic context (GRCh38, chr18:49,984,772, plus strand): 5'-CCTTACCGAGGAGTGTGAAGGCTTGTCGAGTCTTCTCAAAGTCCTCAGCATCGTCCACAC[C>A]CTCGATGGAAGTGTCTCCTCCCTGTGATGTATAGAAAAAGTCCTCTGCACTTGCTGTGGG-3'
Protein context (NP_001073936.1, residues 288-308): TSQGGDTSIE[Gly298Cys]VDDAEDFEKT